The following is an entry in ClinVar:

ClinVar aggregate classification (germline): Uncertain significance (1 of 4 stars; one submission).

Submission:

GeneDx
Classification: Uncertain significance. Last evaluated: 2025-03-18. Review status: criteria provided, single submitter. Criteria: GeneDx Variant Classification Process June 2021. Collection method: clinical testing. Allele origin: germline. Affected: yes.
Comment: Not observed at significant frequency in large population cohorts (gnomAD); In silico analysis indicates that this missense variant does not alter protein structure/function; Has not been previously published as pathogenic or benign to our knowledge; This variant is associated with the following publications: (PMID: 1830053, 18790697, 26109584)

NM_001148.6(ANK2):c.7859C>T (p.Ser2620Phe)

Genes: ANK2 (ankyrin 2; plus strand), LOC126807137 (CDK7 strongly-dependent group 2 enhancer GRCh37_chr4:114276560-114277759; plus strand). Cytogenetic location: 4q26.
Variant type: single nucleotide variant.
Coding change: c.7859C>T on transcript NM_001148.6 (MANE Select); coding-DNA position 7859, C replaced by T.
Protein change: p.Ser2620Phe; replaces serine 2620 with phenylalanine.
Molecular consequence: missense variant. On other transcripts: intron variant (68).
Genome position (GRCh38, 1-based): chr4:113,356,477, C>T. VCF-style: chr4-113356477-C-T. GRCh37 (hg19) VCF-style: chr4-114277633-C-T.
Other names: c.7625C>T, p.Ser2542Phe (NM_001386142.1); c.4259C>T, p.Ser1420Phe (NM_001386166.1); c.8000C>T, p.Ser2667Phe (NM_001386174.1); c.7976C>T, p.Ser2659Phe (NM_001386175.1); c.4412-4346C>T (NM_001386186.2, NM_001386148.2); c.4214-4346C>T (NM_001354269.3); c.4292-4346C>T (NM_001386187.2); c.4253-4346C>T (NM_001386147.1); and 35 more; short protein forms S1420F, S2542F, S2620F, S2659F, S2667F.
Identifiers: ClinVar variation 4086753 (VCV004086753.1).
Genomic context (GRCh38, chr4:113,356,477, plus strand): 5'-AACTTGAACAAGAAGCAAAGCAGAAAAGGGACTACAAAAAAGAACCCAAACAAGAAGAAT[C>T]TTCTTCATCTTCTGACCCAGATGCTGACTGTTCAGTAGATGTGGATGAACCAAAACATAC-3'
Protein context (NP_001139.3, residues 2610-2630): DYKKEPKQEE[Ser2620Phe]SSSSDPDADC